The following is an entry in ClinVar:

NM_080425.4(GNAS):c.158C>G (p.Pro53Arg)

Gene: GNAS (GNAS complex locus; plus strand). Cytogenetic location: 20q13.32.
Variant type: single nucleotide variant.
Coding change: c.158C>G on transcript NM_080425.4 (MANE Plus Clinical); coding-DNA position 158, C replaced by G.
Protein change: p.Pro53Arg; replaces proline 53 with arginine.
Molecular consequence: missense variant. On other transcripts: 5 prime UTR variant (2), intron variant (3).
Genome position (GRCh38, 1-based): chr20:58,853,423, C>G. VCF-style: chr20-58853423-C-G. GRCh37 (hg19) VCF-style: chr20-57428478-C-G.
Other names: c.-30C>G (NM_001077490.3, NM_001309883.1); c.158C>G, p.Pro53Arg (NM_001410913.1); c.*42+12537C>G (NM_016592.5); c.43+12537C>G (NM_001410912.1); c.-39+11548C>G (NM_001309861.2); short protein forms P53R.
Identifiers: ClinVar variation 3029940 (VCV003029940.2), dbSNP rs763257494, ClinGen allele CA9926428.

ClinVar aggregate classification (germline): Uncertain significance (0 of 4 stars; one submission).

Conditions:
GNAS-related disorder. Identifiers: MedGen CN380105.

gnomAD v4.1: 27 of 1,596,500 alleles (0.0017%); highest among the groups gnomAD compares: Admixed American, 0.022%; no homozygotes.

Submission:

PreventionGenetics, part of Exact Sciences
Classification: Uncertain significance for GNAS-related condition. Last evaluated: 2024-09-02. Review status: no assertion criteria provided. Collection method: clinical testing. Allele origin: germline.
Comment: The GNAS c.158C>G variant is predicted to result in the amino acid substitution p.Pro53Arg. In the canonical transcript (NM_000516.7), this variant is pre-coding (c.-38304C>G). To our knowledge, this variant has not been reported in the literature. This variant is reported in 0.025% of alleles in individuals of Latino descent in gnomAD, which may be too frequent to be an unreported primary cause of disease. Although we suspect that this variant may be benign, the clinical significance of this variant is currently classified as uncertain due to the absence of conclusive functional and genetic evidence.